The following is an entry in ClinVar:

ClinVar aggregate classification (germline): Uncertain significance (1 of 4 stars; one submission).

Conditions:
Cystic fibrosis (CF). Also called: MUCOVISCIDOSIS. Identifiers: Orphanet 586, MedGen C0010674, MONDO:0009061, OMIM 219700. Disease mechanism: loss of function.

Allele frequency attached by ClinVar (database versions not stated): gnomAD exomes below 0.00001; TOPMed below 0.00001; ExAC 0.00001.
gnomAD v4.1: 3 of 1,612,666 alleles (0.00019%); highest among the groups gnomAD compares: South Asian, 0.0011%; no homozygotes.

Submission:

Ambry Genetics
Classification: Uncertain significance for Cystic fibrosis. Last evaluated: 2022-06-08. Review status: criteria provided, single submitter. Criteria: Ambry Variant Classification Scheme 2023. Collection method: clinical testing. Allele origin: germline.
Comment: The p.V510I variant (also known as c.1528G>A), located in coding exon 11 of the CFTR gene, results from a G to A substitution at nucleotide position 1528. The valine at codon 510 is replaced by isoleucine, an amino acid with highly similar properties. This amino acid position is not well conserved in available vertebrate species. In addition, the in silico prediction for this alteration is inconclusive. Since supporting evidence is limited at this time, the clinical significance of this alteration remains unclear.

NM_000492.4(CFTR):c.1528G>A (p.Val510Ile)

Genes: CFTR (CF transmembrane conductance regulator; plus strand), CFTR-AS1 (CFTR antisense RNA 1; minus strand). Cytogenetic location: 7q31.2.
Variant type: single nucleotide variant.
Coding change: c.1528G>A on transcript NM_000492.4 (MANE Select); coding-DNA position 1528, G replaced by A.
Protein change: p.Val510Ile; replaces valine 510 with isoleucine.
Molecular consequence: missense variant.
Genome position (GRCh38, 1-based): chr7:117,559,599, G>A. VCF-style: chr7-117559599-G-A. GRCh37 (hg19) VCF-style: chr7-117199653-G-A.
Other names: short protein forms V510I.
Identifiers: ClinVar variation 1774557 (VCV001774557.2), dbSNP rs752955846, ClinGen allele CA4451017.
Genomic context (GRCh38, chr7:117,559,599, plus strand): 5'-TTCTGTTCTCAGTTTTCCTGGATTATGCCTGGCACCATTAAAGAAAATATCATCTTTGGT[G>A]TTTCCTATGATGAATATAGATACAGAAGCGTCATCAAAGCATGCCAACTAGAAGAGGTAA-3'
Protein context (NP_000483.3, residues 500-520): GTIKENIIFG[Val510Ile]SYDEYRYRSV